The following is an entry in ClinVar:

NM_001257096.2(PAX1):c.493A>G (p.Ile165Val)

Gene: PAX1 (paired box 1; plus strand). Cytogenetic location: 20p11.22.
Variant type: single nucleotide variant.
Coding change: c.493A>G on transcript NM_001257096.2 (MANE Select); coding-DNA position 493, A replaced by G.
Protein change: p.Ile165Val; replaces isoleucine 165 with valine.
Molecular consequence: missense variant.
Genome position (GRCh38, 1-based): chr20:21,706,644, A>G. VCF-style: chr20-21706644-A-G. GRCh37 (hg19) VCF-style: chr20-21687282-A-G.
Other names: c.493A>G, p.Ile165Val (NM_006192.5); short protein forms I165V.
Identifiers: ClinVar variation 1434470 (VCV001434470.5), dbSNP rs1985010482, ClinGen allele CA408498090.

ClinVar aggregate classification (germline): Uncertain significance (1 of 4 stars; one submission).

Submission:

Labcorp Genetics (formerly Invitae), Labcorp
Classification: Uncertain significance. Last evaluated: 2021-09-02. Review status: criteria provided, single submitter. Criteria: Invitae Variant Classification Sherloc (09022015). Collection method: clinical testing. Allele origin: germline.
Comment: This sequence change replaces isoleucine with valine at codon 165 of the PAX1 protein (p.Ile165Val). The isoleucine residue is highly conserved and there is a small physicochemical difference between isoleucine and valine. This variant is not present in population databases (ExAC no frequency). This variant has not been reported in the literature in individuals affected with PAX1-related conditions. Algorithms developed to predict the effect of missense changes on protein structure and function (SIFT, PolyPhen-2, Align-GVGD) all suggest that this variant is likely to be disruptive. In summary, the available evidence is currently insufficient to determine the role of this variant in disease. Therefore, it has been classified as a Variant of Uncertain Significance.